The following is an entry in ClinVar:

ClinVar aggregate classification (germline): Uncertain significance (1 of 4 stars; one submission).

Submission:

GeneDx
Classification: Uncertain significance. Last evaluated: 2018-03-27. Review status: criteria provided, single submitter. Criteria: GeneDx Variant Classification (06012015). Collection method: clinical testing. Allele origin: germline. Affected: yes.
Comment: The c.655delG variant in the RARB gene has not been reported previously as a pathogenic variant nor as a benign variant, to our knowledge. The c.655delG variant causes a frameshift starting with codon Aspartic Acid 219, changes this amino acid to a Threonine residue, and creates a premature Stop codon at position 27 of the new reading frame, denoted p.Asp219ThrfsX27. This variant is predicted to cause loss of normal protein function either through protein truncation or nonsense-mediated mRNA decay. However, in the absence of RNA/functional studies, the actual effect of the c.655delG variant is unknown. The c.655delG variant is not observed in large population cohorts (Lek et al., 2016). We interpret c.655delG as a variant of uncertain significance.

NM_000965.5(RARB):c.655del (p.Asp219fs)

Gene: RARB (retinoic acid receptor beta; plus strand). Cytogenetic location: 3p24.2.
Variant type: Deletion.
Coding change: c.655del on transcript NM_000965.5 (MANE Select); coding-DNA position 655, one base deleted (G; older notation c.655delG).
Protein change: p.Asp219fs; shifts the reading frame from aspartic acid 219.
Molecular consequence: frameshift variant. On other transcripts: non-coding transcript variant (2).
Genome position (GRCh38, 1-based): chr3:25,580,591, G deleted; the last of 3 consecutive G bases (chr3:25,580,589-25,580,591); deleting any one gives the same sequence. VCF-style (leftmost placement, unchanged base first): chr3-25580588-TG-T. GRCh37 (hg19) VCF-style: chr3-25622079-TG-T.
Other names: c.655delG (NM_000965.4); c.676del, p.Asp226fs (NM_001290216.3); c.319del, p.Asp107fs (NM_001290217.2, NM_001290276.2, NM_016152.4); c.508del, p.Asp170fs (NM_001290266.2); c.655del, p.Asp219fs (NM_001290277.1); c.526del, p.Asp176fs (NM_001290300.2); short protein forms D107fs, D219fs, D170fs, D226fs, D176fs.
Identifiers: ClinVar variation 524000 (VCV000524000.2), dbSNP rs1553635701, ClinGen allele CA658796249.